The following is an entry in ClinVar:

NM_006231.4(POLE):c.641A>G (p.Gln214Arg)

Gene: POLE (DNA polymerase epsilon, catalytic subunit; minus strand). Cytogenetic location: 12q24.33.
Variant type: single nucleotide variant.
Coding change: c.641A>G on transcript NM_006231.4 (MANE Select); coding-DNA position 641, A replaced by G.
Protein change: p.Gln214Arg; replaces glutamine 214 with arginine.
Molecular consequence: missense variant.
Genome position (GRCh38, 1-based): chr12:132,677,657, T>C on the plus strand (A>G on the coding strand, the complement: POLE is on the minus strand). VCF-style: chr12-132677657-T-C. GRCh37 (hg19) VCF-style: chr12-133254243-T-C.
Other names: c.641A>G (NM_006231.2); short protein forms Q214R.
Identifiers: ClinVar variation 540732 (VCV000540732.11), dbSNP rs1555229713, ClinGen allele CA387365143.
Genomic context (GRCh38, chr12:132,677,657, plus strand): 5'-ATGGAGAGGCGGATGTGGTAGGGAACATCGTACTCGCGCATGTCCACAATGTTGTCCAAC[T>C]GGTCAGCTATCTTCTTAGAGGTTTCCTCTTCATCAGTAATGACACCGCCCCTCTGCAGAA-3'
Protein context (NP_006222.2, residues 204-224): EEETSKKIAD[Gln214Arg]LDNIVDMREY

ClinVar aggregate classification (germline): Uncertain significance. Review status: criteria provided, multiple submitters, no conflicts (2 of 4 stars). 2 submissions from 2 submitters: Uncertain significance (2). Last evaluated 2026-04-08.

Conditions:
Hereditary cancer-predisposing syndrome. Also called: Tumor predisposition; Hereditary neoplastic syndrome; Neoplastic Syndromes, Hereditary; Hereditary Cancer Syndrome. Identifiers: Orphanet 140162, MedGen C0027672, MeSH D009386, MONDO:0015356.

Submissions (2):

Ambry Genetics
Classification: Uncertain significance for Hereditary cancer-predisposing syndrome. Last evaluated: 2026-04-08. Review status: criteria provided, single submitter. Criteria: Ambry Variant Classification Scheme 2023. Collection method: clinical testing. Allele origin: germline.
Comment: The p.Q214R variant (also known as c.641A>G), located in coding exon 7 of the POLE gene, results from an A to G substitution at nucleotide position 641. The glutamine at codon 214 is replaced by arginine, an amino acid with highly similar properties. This amino acid position is highly conserved in available vertebrate species. In addition, the in silico prediction for this alteration is inconclusive. Based on the available evidence, the clinical significance of this variant remains unclear.

Labcorp Genetics (formerly Invitae), Labcorp
Classification: Uncertain significance. Last evaluated: 2025-04-09. Review status: criteria provided, single submitter. Criteria: Invitae Variant Classification Sherloc (09022015). Collection method: clinical testing. Allele origin: germline.
Comment: This sequence change replaces glutamine, which is neutral and polar, with arginine, which is basic and polar, at codon 214 of the POLE protein (p.Gln214Arg). This variant is not present in population databases (gnomAD no frequency). This variant has not been reported in the literature in individuals affected with POLE-related conditions. ClinVar contains an entry for this variant (Variation ID: 540732). Invitae Evidence Modeling of protein sequence and biophysical properties (such as structural, functional, and spatial information, amino acid conservation, physicochemical variation, residue mobility, and thermodynamic stability) indicates that this missense variant is not expected to disrupt POLE protein function with a negative predictive value of 80%. In summary, the available evidence is currently insufficient to determine the role of this variant in disease. Therefore, it has been classified as a Variant of Uncertain Significance.